The following is an entry in ClinVar:

NM_000026.4(ADSL):c.244A>C (p.Lys82Gln)

Gene: ADSL (adenylosuccinate lyase; plus strand). Cytogenetic location: 22q13.1.
Variant type: single nucleotide variant.
Coding change: c.244A>C on transcript NM_000026.4 (MANE Select); coding-DNA position 244, A replaced by C.
Protein change: p.Lys82Gln; replaces lysine 82 with glutamine.
Molecular consequence: missense variant. On other transcripts: non-coding transcript variant (1).
Genome position (GRCh38, 1-based): chr22:40,349,922, A>C. VCF-style: chr22-40349922-A-C. GRCh37 (hg19) VCF-style: chr22-40745926-A-C.
Other names: c.244A>C, p.Lys82Gln (NM_001123378.3, NM_001363840.3); c.52A>C, p.Lys18Gln (NM_001317923.2); short protein forms K82Q, K18Q.
Identifiers: ClinVar variation 1498852 (VCV001498852.5), dbSNP rs768958353, ClinGen allele CA10247652.

ClinVar aggregate classification (germline): Uncertain significance (1 of 4 stars; one submission).

Conditions:
Adenylosuccinate lyase deficiency (ADSLD). Also called: ADSL DEFICIENCY. Identifiers: Orphanet 46, MedGen C0268126, MONDO:0007068, OMIM 103050.

Allele frequency attached by ClinVar (database versions not stated): gnomAD exomes below 0.00001; ExAC 0.00001.
gnomAD v4.1: 1 of 1,614,194 alleles (0.000062%); highest among the groups gnomAD compares: Admixed American, 0.0017%; no homozygotes.

Submission:

Labcorp Genetics (formerly Invitae), Labcorp
Classification: Uncertain significance for Adenylosuccinate lyase deficiency. Last evaluated: 2022-08-15. Review status: criteria provided, single submitter. Criteria: Invitae Variant Classification Sherloc (09022015). Collection method: clinical testing. Allele origin: germline.
Comment: This sequence change replaces lysine, which is basic and polar, with glutamine, which is neutral and polar, at codon 82 of the ADSL protein (p.Lys82Gln). This variant is present in population databases (rs768958353, gnomAD 0.003%). This variant has not been reported in the literature in individuals affected with ADSL-related conditions. ClinVar contains an entry for this variant (Variation ID: 1498852). Advanced modeling of protein sequence and biophysical properties (such as structural, functional, and spatial information, amino acid conservation, physicochemical variation, residue mobility, and thermodynamic stability) performed at Invitae indicates that this missense variant is not expected to disrupt ADSL protein function. In summary, the available evidence is currently insufficient to determine the role of this variant in disease. Therefore, it has been classified as a Variant of Uncertain Significance.